The following is an entry in ClinVar:

NM_144499.3(GNAT1):c.599A>G (p.Gln200Arg)

Gene: GNAT1 (G protein subunit alpha transducin 1; plus strand). Cytogenetic location: 3p21.31.
Variant type: single nucleotide variant.
Coding change: c.599A>G on transcript NM_144499.3 (MANE Select); coding-DNA position 599, A replaced by G.
Protein change: p.Gln200Arg; replaces glutamine 200 with arginine.
Molecular consequence: missense variant.
Genome position (GRCh38, 1-based): chr3:50,194,112, A>G. VCF-style: chr3-50194112-A-G. GRCh37 (hg19) VCF-style: chr3-50231545-A-G.
Other names: c.599A>G, p.Gln200Arg (NM_000172.4); short protein forms Q200R.
Identifiers: ClinVar variation 4856133 (VCV004856133.1).
Genomic context (GRCh38, chr3:50,194,112, plus strand): 5'-GGGGCCCGGGGCGCAGGTTCAGGCCCCCGCGGCCCCGCAGGATGTTCGATGTGGGCGGGC[A>G]GCGCTCGGAGCGCAAGAAGTGGATCCACTGCTTCGAGGGCGTGACCTGCATCATCTTCAT-3'
Protein context (NP_653082.1, residues 190-210): LNFRMFDVGG[Gln200Arg]RSERKKWIHC

ClinVar aggregate classification (germline): Uncertain significance (1 of 4 stars; one submission).

Conditions:
Congenital stationary night blindness autosomal dominant 3. Also called: NIGHT BLINDNESS, CONGENITAL STATIONARY, NOUGARET TYPE. Identifiers: Orphanet 215, MedGen C1864870, MONDO:0012497, OMIM 610444.

Submission:

3billion
Classification: Uncertain significance for Congenital stationary night blindness autosomal dominant 3. Last evaluated: 2026-01-09. Review status: criteria provided, single submitter. Criteria: ACMG Guidelines, 2015. Collection method: clinical testing. Allele origin: germline. Affected: yes.
Comment: The variant is not observed in the gnomAD v4.1.0 dataset. Predicted Consequence/Location: Missense variant In silico tool predictions suggest damaging effect of the variant on gene or gene product [REVEL: 0.94 (>=0.6, sensitivity 0.68 and specificity 0.92); 3Cnet: 0.95 (> 0.75, sensitivity 0.96 and precision 0.92)]. A different missense change at the same codon (p.Gln200Glu) has been reported to be associated with GNAT1-related disorder (ClinVar ID: VCV000190967 /PMID: 17584859). Therefore, this variant is classified as VUS according to the recommendation of ACMG/AMP guideline.

Literature cited by the submitters: PubMed 17584859.